The following is an entry in ClinVar:

NM_003332.4(TYROBP):c.290A>G (p.Gln97Arg)

Gene: TYROBP (transmembrane immune signaling adaptor TYROBP; minus strand). Cytogenetic location: 19q13.12.
Variant type: single nucleotide variant.
Coding change: c.290A>G on transcript NM_003332.4 (MANE Select); coding-DNA position 290, A replaced by G.
Protein change: p.Gln97Arg; replaces glutamine 97 with arginine.
Molecular consequence: missense variant. On other transcripts: non-coding transcript variant (1).
Genome position (GRCh38, 1-based): chr19:35,904,621, T>C on the plus strand (A>G on the coding strand, the complement: TYROBP is on the minus strand). VCF-style: chr19-35904621-T-C. GRCh37 (hg19) VCF-style: chr19-36395523-T-C.
Other names: c.257A>G, p.Gln86Arg (NM_001173514.2); c.254A>G, p.Gln85Arg (NM_001173515.2); c.287A>G, p.Gln96Arg (NM_198125.3); short protein forms Q86R, Q97R, Q85R, Q96R.
Identifiers: ClinVar variation 1986887 (VCV001986887.4), dbSNP rs766372791, ClinGen allele CA307785708.

ClinVar aggregate classification (germline): Uncertain significance (1 of 4 stars; one submission).

gnomAD v4.1: 1 of 1,613,262 alleles (0.000062%); highest among the groups gnomAD compares: Non-Finnish European, 0.000085%; no homozygotes.

Submission:

Labcorp Genetics (formerly Invitae), Labcorp
Classification: Uncertain significance. Last evaluated: 2022-09-01. Review status: criteria provided, single submitter. Criteria: Invitae Variant Classification Sherloc (09022015). Collection method: clinical testing. Allele origin: germline.
Comment: Algorithms developed to predict the effect of missense changes on protein structure and function are either unavailable or do not agree on the potential impact of this missense change (SIFT: "Not Available"; PolyPhen-2: "Possibly Damaging"; Align-GVGD: "Not Available"). This variant has not been reported in the literature in individuals affected with TYROBP-related conditions. This variant is not present in population databases (gnomAD no frequency). This sequence change replaces glutamine, which is neutral and polar, with arginine, which is basic and polar, at codon 97 of the TYROBP protein (p.Gln97Arg). In summary, the available evidence is currently insufficient to determine the role of this variant in disease. Therefore, it has been classified as a Variant of Uncertain Significance.